The following is an entry in ClinVar:

ClinVar aggregate classification (germline): Uncertain significance (0 of 4 stars; one submission).

Conditions:
VPS13B-related disorder. Also called: VPS13B-related condition.

gnomAD v4.1: 4 of 1,612,512 alleles (0.00025%); highest among the groups gnomAD compares: South Asian, 0.0022%; no homozygotes.

Submission:

PreventionGenetics, part of Exact Sciences
Classification: Uncertain significance for VPS13B-related condition. Last evaluated: 2024-05-09. Review status: no assertion criteria provided. Collection method: clinical testing. Allele origin: germline.
Comment: The VPS13B c.238G>C variant is predicted to result in the amino acid substitution p.Val80Leu. To our knowledge, this variant has not been reported in the literature. This variant is reported in 0.011% of alleles in individuals of African descent in gnomAD. At this time, the clinical significance of this variant is uncertain due to the absence of conclusive functional and genetic evidence.

NM_152564.5(VPS13B):c.238G>C (p.Val80Leu)

Gene: VPS13B (vacuolar protein sorting 13 homolog B; plus strand). Cytogenetic location: 8q22.2.
Variant type: single nucleotide variant.
Coding change: c.238G>C on transcript NM_152564.5 (MANE Select); coding-DNA position 238, G replaced by C.
Protein change: p.Val80Leu; replaces valine 80 with leucine.
Molecular consequence: missense variant. On other transcripts: non-coding transcript variant (1).
Genome position (GRCh38, 1-based): chr8:99,038,513, G>C. VCF-style: chr8-99038513-G-C. GRCh37 (hg19) VCF-style: chr8-100050741-G-C.
Other names: c.238G>C, p.Val80Leu (NM_015243.3, NM_017890.5, NM_181661.3); short protein forms V80L.
Identifiers: ClinVar variation 3344139 (VCV003344139.1).
Genomic context (GRCh38, chr8:99,038,513, plus strand): 5'-GGACATATTCATGAATTGAGGATTCATGTACCATGGACAAAACTGGGTTCAGAACCAGTG[G>C]TAATTACCATCAATACTATGGAATGCATTTTGAAACTTAAGGATGGGATACAGGTAAGAA-3'
Protein context (NP_689777.3, residues 70-90): PWTKLGSEPV[Val80Leu]ITINTMECIL